The following is an entry in ClinVar:

NM_014845.6(FIG4):c.2285_2286del (p.Ser762fs)

Gene: FIG4 (FIG4 phosphoinositide 5-phosphatase; plus strand). Cytogenetic location: 6q21.
Variant type: Microsatellite.
Coding change: c.2285_2286del on transcript NM_014845.6 (MANE Select); coding-DNA positions 2285 to 2286, 2 bases deleted (CT; older notation c.2285_2286delCT).
Protein change: p.Ser762fs; shifts the reading frame from serine 762.
Molecular consequence: frameshift variant.
Genome position (GRCh38, 1-based): chr6:109,791,480-109,791,481, CT deleted; deleting any 2 consecutive bases within chr6:109,791,478-109,791,481 gives the same sequence; the c. name uses the placement nearest the transcript's 3' end. VCF-style (leftmost placement, unchanged base first): chr6-109791477-ACT-A. GRCh37 (hg19) VCF-style: chr6-110112680-ACT-A.
Other names: c.2285_2286delCT (NM_014845.5); c.2285_2286del (NM_014845.5); short protein forms S762fs.
Identifiers: ClinVar variation 572934 (VCV000572934.12), dbSNP rs750712213, ClinGen allele CA3956339.
Genomic context (GRCh38, chr6:109,791,477, plus strand): 5'-CGGCAGCCAGCGCCCCGCCGCCCCCCAGCGAGGAGGCTGTGTCCAGCAGCTCTGAGGATG[ACT>A]CTGGGACTGATCGGGAAGAAGAGGGCTCTGTGTCTCAGCGCTCCACTCCCGTGAAGATGA-3'

ClinVar aggregate classification (germline): Pathogenic. Review status: criteria provided, multiple submitters, no conflicts (2 of 4 stars). 3 submissions from 3 submitters: Pathogenic (2). 1 of the submissions does not count toward it. Last evaluated 2023-05-11.

Conditions:
Yunis-Varon syndrome (YVS). Also called: Cleidocranial dysplasia, micrognathia, absent thumbs, & distal aphalangia. Identifiers: Orphanet 3472, MedGen C1857663, MONDO:0008995, OMIM 216340.
Charcot-Marie-Tooth disease type 4. Also called: Charcot-Marie-Tooth disease, type IV; Charcot-Marie-Tooth, Type 4. Identifiers: Orphanet 64749, MedGen C4082197, MONDO:0018995.

Submissions (3):

GeneDx
Classification: Pathogenic. Last evaluated: 2023-05-11. Review status: criteria provided, single submitter. Criteria: GeneDx Variant Classification Process June 2021. Collection method: clinical testing. Allele origin: germline. Affected: yes.
Comment: Frameshift variant predicted to result in protein truncation or nonsense mediated decay in a gene for which loss-of-function is a known mechanism of disease; Not observed at a significant frequency in large population cohorts (gnomAD); This variant is associated with the following publications: (PMID: 24088667)

Labcorp Genetics (formerly Invitae), Labcorp
Classification: Pathogenic for Charcot-Marie-Tooth disease type 4. Last evaluated: 2022-03-01. Review status: criteria provided, single submitter. Criteria: Invitae Variant Classification Sherloc (09022015). Collection method: clinical testing. Allele origin: germline.
Comment: For these reasons, this variant has been classified as Pathogenic. ClinVar contains an entry for this variant (Variation ID: 572934). This premature translational stop signal has been observed in individual(s) with Yunis-Varon syndrome (PMID: 24088667). In at least one individual the data is consistent with being in trans (on the opposite chromosome) from a pathogenic variant. This variant is present in population databases (rs750712213, gnomAD 0.01%). This sequence change creates a premature translational stop signal (p.Ser762Trpfs*3) in the FIG4 gene. It is expected to result in an absent or disrupted protein product. Loss-of-function variants in FIG4 are known to be pathogenic (PMID: 23623387).

Inherited Neuropathy Consortium Ii, University Of Miami
Classification: Uncertain significance for Yunis-Varon syndrome. Last evaluated: 2016-01-06. Review status: no assertion criteria provided. Collection method: literature only. Allele origin: germline. Affected: yes. Not counted in ClinVar's aggregate classification.

Literature cited by the submitters: PubMed 24088667 (cited by Labcorp Genetics (formerly Invitae), Labcorp and Inherited Neuropathy Consortium Ii, University Of Miami); PubMed 23623387 (cited by Labcorp Genetics (formerly Invitae), Labcorp).